The following is an entry in ClinVar:

ClinVar aggregate classification (germline): Uncertain significance. Review status: criteria provided, multiple submitters, no conflicts (2 of 4 stars). 3 submissions from 3 submitters: Uncertain significance (3). Last evaluated 2025-09-25.

Conditions:
VPS13B-related disorder. Also called: VPS13B-related condition.
Cohen syndrome (COH1). Also called: Cutis verticis gyrata, retinitis pigmentosa, and sensorineural deafness; PEPPER SYNDROME. Identifiers: Orphanet 193, MedGen C0265223, MONDO:0008999, OMIM 216550.

Allele frequency attached by ClinVar (database versions not stated): TOPMed below 0.00001; gnomAD 0.00001 and 0.00003; 1000 Genomes Project 0.00020; 1000 Genomes Project 30x 0.00031.
gnomAD v4.1: 59 of 1,614,084 alleles (0.0037%); highest among the groups gnomAD compares: South Asian, 0.033%; 1 homozygote.

Submissions (3):

PreventionGenetics, part of Exact Sciences
Classification: Uncertain significance for VPS13B-related condition. Last evaluated: 2025-09-25. Review status: criteria provided, single submitter. Criteria: ACMG Guidelines, 2015. Collection method: clinical testing. Allele origin: germline.
Comment: The VPS13B c.10064C>T variant is predicted to result in the amino acid substitution p.Ala3355Val. To our knowledge, this variant has not been reported in the literature. This variant is reported in 0.033% of alleles in individuals of South Asian descent in gnomAD. At this time, the clinical significance of this variant is uncertain due to the absence of conclusive functional and genetic evidence.

Blueprint Genetics
Classification: Uncertain significance. Last evaluated: 2024-05-28. Review status: criteria provided, single submitter. Criteria: ACMG Guidelines, 2015. Collection method: clinical testing. Allele origin: germline.

Labcorp Genetics (formerly Invitae), Labcorp
Classification: Uncertain significance for Cohen syndrome. Last evaluated: 2022-05-29. Review status: criteria provided, single submitter. Criteria: Invitae Variant Classification Sherloc (09022015). Collection method: clinical testing. Allele origin: germline.
Comment: This sequence change replaces alanine, which is neutral and non-polar, with valine, which is neutral and non-polar, at codon 3380 of the VPS13B protein (p.Ala3380Val). This variant is present in population databases (rs199931583, gnomAD 0.03%), including at least one homozygous and/or hemizygous individual. This variant has not been reported in the literature in individuals affected with VPS13B-related conditions. ClinVar contains an entry for this variant (Variation ID: 1396502). Algorithms developed to predict the effect of missense changes on protein structure and function are either unavailable or do not agree on the potential impact of this missense change (SIFT: "Not Available"; PolyPhen-2: "Benign"; Align-GVGD: "Not Available"). In summary, the available evidence is currently insufficient to determine the role of this variant in disease. Therefore, it has been classified as a Variant of Uncertain Significance.

NM_152564.5(VPS13B):c.10064C>T (p.Ala3355Val)

Gene: VPS13B (vacuolar protein sorting 13 homolog B; plus strand). Cytogenetic location: 8q22.2.
Variant type: single nucleotide variant.
Coding change: c.10064C>T on transcript NM_152564.5 (MANE Select); coding-DNA position 10064, C replaced by T.
Protein change: p.Ala3355Val; replaces alanine 3355 with valine.
Molecular consequence: missense variant.
Genome position (GRCh38, 1-based): chr8:99,853,453, C>T. VCF-style: chr8-99853453-C-T. GRCh37 (hg19) VCF-style: chr8-100865681-C-T.
Other names: c.10139C>T, p.Ala3380Val (NM_017890.5); c.10064C>T (NM_152564.4); short protein forms A3355V, A3380V.
Identifiers: ClinVar variation 1396502 (VCV001396502.5), dbSNP rs199931583, ClinGen allele CA4824878.